The following is an entry in ClinVar:

NM_001142800.2(EYS):c.1650T>G (p.Tyr550Ter)

Gene: EYS (EGF-like photoreceptor maintenance factor; minus strand). Cytogenetic location: 6q12.
Variant type: single nucleotide variant.
Coding change: c.1650T>G on transcript NM_001142800.2 (MANE Select); coding-DNA position 1650, T replaced by G.
Protein change: p.Tyr550Ter; replaces tyrosine 550 with a stop codon.
Molecular consequence: nonsense.
Genome position (GRCh38, 1-based): chr6:65,335,096, A>C on the plus strand (T>G on the coding strand, the complement: EYS is on the minus strand). VCF-style: chr6-65335096-A-C. GRCh37 (hg19) VCF-style: chr6-66044989-A-C.
Other names: c.1650T>G, p.Tyr550Ter (NM_001142801.2, NM_001292009.2, NM_198283.2); short protein forms Y550*.
Identifiers: ClinVar variation 836856 (VCV000836856.10), dbSNP rs1769936722, ClinGen allele CA364661155.

ClinVar aggregate classification (germline): Pathogenic/Likely pathogenic. Review status: criteria provided, multiple submitters, no conflicts (2 of 4 stars). 4 submissions from 4 submitters: Pathogenic (3); Likely pathogenic (1). Last evaluated 2025-11-20.

Conditions:
EYS-related disorder. Also called: EYS-related condition.
Retinitis pigmentosa 25 (RP25). Identifiers: Orphanet 791, MedGen C1864446, MONDO:0011272, OMIM 602772.

Submissions (4):

Natera, Inc.
Classification: Likely pathogenic for Retinitis pigmentosa type 25. Last evaluated: 2025-11-20. Review status: criteria provided, single submitter. Criteria: Natera Variant Classification Schema (03/2026). Collection method: clinical testing. Allele origin: germline.
Comment: The c.1650T>G variant in EYS is a nonsense variant predicted to introduce a stop codon at amino acid 550. This variant is expected to result in nonsense mediated decay, truncation, or a dysfunctional protein product. This variant is rare in the general population with a frequency below the threshold expected for the associated phenotype(s). Given the available evidence, this variant is classified as Likely Pathogenic.

Blueprint Genetics
Classification: Pathogenic for EYS-related disorders. Last evaluated: 2023-01-31. Review status: criteria provided, single submitter. Criteria: ACMG Guidelines, 2015. Collection method: clinical testing. Allele origin: germline. Affected: yes. Observed: 2 variant alleles.

Labcorp Genetics (formerly Invitae), Labcorp
Classification: Pathogenic. Last evaluated: 2022-07-06. Review status: criteria provided, single submitter. Criteria: Invitae Variant Classification Sherloc (09022015). Collection method: clinical testing. Allele origin: germline.
Comment: This sequence change creates a premature translational stop signal (p.Tyr550*) in the EYS gene. It is expected to result in an absent or disrupted protein product. Loss-of-function variants in EYS are known to be pathogenic (PMID: 18836446, 20333770). This variant is not present in population databases (gnomAD no frequency). This variant has not been reported in the literature in individuals affected with EYS-related conditions. ClinVar contains an entry for this variant (Variation ID: 836856). For these reasons, this variant has been classified as Pathogenic.

Ocular Genomics Institute, Massachusetts Eye and Ear
Classification: Pathogenic for Retinitis pigmentosa 25. Last evaluated: 2021-04-08. Review status: criteria provided, single submitter. Criteria: ACMG Guidelines, 2015. Collection method: research. Allele origin: germline. Affected: yes.
Comment: Through a review of available evidence we were able to apply the following criteria: PVS1, PM2, PM3. Based on this evidence we have classified this variant as Pathogenic.

Literature cited by the submitters: PubMed 18836446 (cited by Labcorp Genetics (formerly Invitae), Labcorp); PubMed 20333770 (cited by Labcorp Genetics (formerly Invitae), Labcorp).